The following is an entry in ClinVar:

NM_002291.3(LAMB1):c.1677G>A (p.Ala559=)

Gene: LAMB1 (laminin subunit beta 1; minus strand). Cytogenetic location: 7q31.1.
Variant type: single nucleotide variant.
Coding change: c.1677G>A on transcript NM_002291.3 (MANE Select); coding-DNA position 1677, G replaced by A.
Protein change: p.Ala559=; no amino-acid change (alanine 559 retained).
Molecular consequence: synonymous variant.
Genome position (GRCh38, 1-based): chr7:107,964,573, C>T on the plus strand (G>A on the coding strand, the complement: LAMB1 is on the minus strand). VCF-style: chr7-107964573-C-T. GRCh37 (hg19) VCF-style: chr7-107605018-C-T.
Identifiers: ClinVar variation 774130 (VCV000774130.24), dbSNP rs201444455, ClinGen allele CA4435937.
Genomic context (GRCh38, chr7:107,964,573, plus strand): 5'-ACACTGCTTTACCGACCTGCCACACACTCCCCTACTCACAGGCCCCAAGTTGGCTTCCTC[C>T]GCTTCATAGAGGTAGTGATCCAGGGTGGCAAAGTAGTAACCAGGTTCCACTTCGTTGCAC-3'
Protein context (NP_002282.2, residues 549-569): FATLDHYLYE[Ala559=]EEANLGPGVS

ClinVar aggregate classification (germline): Likely benign. Review status: criteria provided, multiple submitters, no conflicts (2 of 4 stars). 4 submissions from 4 submitters: Likely benign (4). Last evaluated 2026-07-01.

Allele frequency attached by ClinVar (database versions not stated): ExAC 0.00009; gnomAD exomes 0.00011 and 0.00029; ESP Exome Variant Server 0.00015; gnomAD 0.00043 and 0.00045; TOPMed 0.00048; 1000 Genomes Project 0.00080; 1000 Genomes Project 30x 0.00109.
gnomAD v4.1: 231 of 1,614,148 alleles (0.014%); highest among the groups gnomAD compares: Admixed American, 0.19%; no homozygotes.

Submissions (4):

CeGaT Center for Human Genetics Tuebingen
Classification: Likely benign. Last evaluated: 2026-07-01. Review status: criteria provided, single submitter. Criteria: CeGaT Center For Human Genetics Tuebingen Variant Classification Criteria Version 2. Collection method: clinical testing. Allele origin: germline. Affected: yes. Observed: 2 variant alleles.
Comment: LAMB1: BP4, BP7

Labcorp Genetics (formerly Invitae), Labcorp
Classification: Likely benign. Last evaluated: 2026-01-27. Review status: criteria provided, single submitter. Criteria: Invitae Variant Classification Sherloc (09022015). Collection method: clinical testing. Allele origin: germline.

Blueprint Genetics
Classification: Likely benign. Last evaluated: 2024-09-02. Review status: criteria provided, single submitter. Criteria: ACMG Guidelines, 2015. Collection method: clinical testing. Allele origin: germline.

Breakthrough Genomics
Classification: Likely benign. Review status: criteria provided, single submitter. Criteria: ACMG Guidelines, 2015. Collection method: not provided. Allele origin: germline. Inheritance: Autosomal recessive inheritance. Affected: yes.